The following is an entry in ClinVar:

ClinVar aggregate classification (germline): Uncertain significance (1 of 4 stars; one submission).

Conditions:
Familial isolated arrhythmogenic right ventricular dysplasia. Identifiers: Orphanet 217656, MedGen C4274968, MONDO:0016342.

Allele frequency attached by ClinVar (database versions not stated): TOPMed below 0.00001; gnomAD 0.00001.
gnomAD v4.1: 1 of 1,613,930 alleles (0.000062%); highest among the groups gnomAD compares: Non-Finnish European, 0.000085%; no homozygotes.

Submission:

All of Us Research Program, National Institutes of Health
Classification: Uncertain significance for Familial isolated arrhythmogenic right ventricular dysplasia. Last evaluated: 2023-05-30. Review status: criteria provided, single submitter. Criteria: ACMG Guidelines, 2015. Collection method: clinical testing. Allele origin: germline. Inheritance: Autosomal dominant inheritance. Observed: 1 variant allele, 1 heterozygote.
Comment: This missense variant replaces methionine with leucine at codon 589 of the DSC2 protein. Computational prediction suggests that this variant may not impact protein structure and function (internally defined REVEL score threshold <= 0.5, PMID: 27666373). To our knowledge, functional studies have not been reported for this variant. This variant has not been reported in individuals affected with DSC2-related disorders in the literature. This variant has not been identified in the general population by the Genome Aggregation Database (gnomAD). The available evidence is insufficient to determine the role of this variant in disease conclusively. Therefore, this variant is classified as a Variant of Uncertain Significance.

This study involves interpretation of variants in research participants for the purpose of population health screening. Participant phenotype was not available at the time of variant classification. Additional details can be found in publication PMID: 35346344, PMCID: PMC8962531

NM_024422.6(DSC2):c.1765A>T (p.Met589Leu)

Gene: DSC2 (desmocollin 2; minus strand). Cytogenetic location: 18q12.1.
Variant type: single nucleotide variant.
Coding change: c.1765A>T on transcript NM_024422.6 (MANE Select); coding-DNA position 1765, A replaced by T.
Protein change: p.Met589Leu; replaces methionine 589 with leucine.
Molecular consequence: missense variant.
Genome position (GRCh38, 1-based): chr18:31,074,806, T>A on the plus strand (A>T on the coding strand, the complement: DSC2 is on the minus strand). VCF-style: chr18-31074806-T-A. GRCh37 (hg19) VCF-style: chr18-28654772-T-A.
Other names: c.1336A>T, p.Met446Leu (NM_001406506.1, NM_001406507.1); c.1765A>T, p.Met589Leu (NM_004949.5); short protein forms M446L, M589L.
Identifiers: ClinVar variation 3071330 (VCV003071330.1), dbSNP rs1442456553, ClinGen allele CA402114108.